The following is an entry in ClinVar:

NM_020928.2(ZSWIM6):c.1671C>A (p.Arg557=)

Gene: ZSWIM6 (zinc finger SWIM-type containing 6; plus strand). Cytogenetic location: 5q12.1.
Variant type: single nucleotide variant.
Coding change: c.1671C>A on transcript NM_020928.2 (MANE Select); coding-DNA position 1671, C replaced by A.
Protein change: p.Arg557=; no amino-acid change (arginine 557 retained).
Molecular consequence: synonymous variant.
Genome position (GRCh38, 1-based): chr5:61,525,957, C>A. VCF-style: chr5-61525957-C-A. GRCh37 (hg19) VCF-style: chr5-60821784-C-A.
Identifiers: ClinVar variation 1548213 (VCV001548213.30), dbSNP rs374446583, ClinGen allele CA444551307.
Genomic context (GRCh38, chr5:61,525,957, plus strand): 5'-TGACCTATACACCAACTACTGTTACCATGACGACACTGAAAACTCCCTCTTCGACTCCCG[C>A]GGGTGGCCCCTCTGGCATGGTAAGTGACCAAACCGGAAAGACATTTCCATGACTTACTTC-3'
Protein context (NP_065979.1, residues 547-567): DDTENSLFDS[Arg557=]GWPLWHEHVP

ClinVar aggregate classification (germline): Likely benign. Review status: criteria provided, multiple submitters, no conflicts (2 of 4 stars). 2 submissions from 2 submitters: Likely benign (2). Last evaluated 2025-07-30.

gnomAD v4.1: 15 of 1,552,020 alleles (0.00097%); highest among the groups gnomAD compares: Admixed American, 0.0039%; no homozygotes.

Submissions (2):

Labcorp Genetics (formerly Invitae), Labcorp
Classification: Likely benign. Last evaluated: 2025-07-30. Review status: criteria provided, single submitter. Criteria: Invitae Variant Classification Sherloc (09022015). Collection method: clinical testing. Allele origin: germline.

CeGaT Center for Human Genetics Tuebingen
Classification: Likely benign. Last evaluated: 2023-11-01. Review status: criteria provided, single submitter. Criteria: CeGaT Center For Human Genetics Tuebingen Variant Classification Criteria Version 2. Collection method: clinical testing. Allele origin: germline. Affected: yes. Observed: 1 variant allele.
Comment: ZSWIM6: BP4, BP7